The following is an entry in ClinVar:

NM_001242896.3(DEPDC5):c.248_249del (p.Gln83fs)

Gene: DEPDC5 (DEP domain containing 5, GATOR1 subcomplex subunit; plus strand). Cytogenetic location: 22q12.2.
Variant type: Deletion.
Coding change: c.248_249del on transcript NM_001242896.3 (MANE Select); coding-DNA positions 248 to 249, 2 bases deleted (AG; older notation c.248_249delAG).
Protein change: p.Gln83fs; shifts the reading frame from glutamine 83.
Molecular consequence: frameshift variant. On other transcripts: non-coding transcript variant (5).
Genome position (GRCh38, 1-based): chr22:31,765,029-31,765,030, AG deleted. VCF-style (leftmost placement, unchanged base first): chr22-31765028-CAG-C. GRCh37 (hg19) VCF-style: chr22-32161014-CAG-C.
Other names: c.248_249del, p.Gln83fs (NM_001007188.4, NM_001136029.4, NM_001242897.2 and 9 more transcripts); short protein forms Q83fs.
Identifiers: ClinVar variation 3773692 (VCV003773692.2).

ClinVar aggregate classification (germline): Pathogenic (1 of 4 stars; one submission).

Conditions:
Epilepsy, familial focal, with variable foci 1 (FFEVF1). Also called: DEPDC5-Related Epilepsy. Identifiers: MedGen C4551983, MONDO:0024556, OMIM 604364.

Submission:

Institute of Human Genetics, University of Leipzig Medical Center
Classification: Pathogenic for Epilepsy, familial focal, with variable foci 1. Last evaluated: 2025-03-04. Review status: criteria provided, single submitter. Criteria: ACMG Guidelines, 2015. Collection method: clinical testing. Allele origin: unknown. Inheritance: Autosomal dominant inheritance. Affected: yes.
Comment: Criteria applied: PVS1,PM2